The following is an entry in ClinVar:

ClinVar aggregate classification (germline): Uncertain significance (1 of 4 stars; one submission).

Submission:

GeneDx
Classification: Uncertain significance. Last evaluated: 2026-02-04. Review status: criteria provided, single submitter. Criteria: GeneDx Variant Classification Process June 2021. Collection method: clinical testing. Allele origin: germline.
Comment: Not observed at significant frequency in large population cohorts (gnomAD); In silico analysis supports that this missense variant has a deleterious effect on protein structure/function; Has not been previously published as pathogenic or benign to our knowledge

NM_015057.5(MYCBP2):c.4160C>G (p.Pro1387Arg)

Gene: MYCBP2 (MYC binding protein 2; minus strand). Cytogenetic location: 13q22.3.
Variant type: single nucleotide variant.
Coding change: c.4160C>G on transcript NM_015057.5 (MANE Select); coding-DNA position 4160, C replaced by G.
Protein change: p.Pro1387Arg; replaces proline 1387 with arginine.
Molecular consequence: missense variant.
Genome position (GRCh38, 1-based): chr13:77,189,042, G>C on the plus strand (C>G on the coding strand, the complement: MYCBP2 is on the minus strand). VCF-style: chr13-77189042-G-C. GRCh37 (hg19) VCF-style: chr13-77763177-G-C.
Other names: short protein forms P1387R.
Identifiers: ClinVar variation 4976141 (VCV004976141.1).